The following is an entry in ClinVar:

NM_021072.4(HCN1):c.2555C>T (p.Pro852Leu)

Gene: HCN1 (hyperpolarization activated cyclic nucleotide gated potassium channel 1; minus strand). Cytogenetic location: 5p12.
Variant type: single nucleotide variant.
Coding change: c.2555C>T on transcript NM_021072.4 (MANE Select); coding-DNA position 2555, C replaced by T.
Protein change: p.Pro852Leu; replaces proline 852 with leucine.
Molecular consequence: missense variant.
Genome position (GRCh38, 1-based): chr5:45,262,039, G>A on the plus strand (C>T on the coding strand, the complement: HCN1 is on the minus strand). VCF-style: chr5-45262039-G-A. GRCh37 (hg19) VCF-style: chr5-45262141-G-A.
Other names: short protein forms P852L.
Identifiers: ClinVar variation 2916975 (VCV002916975.3), dbSNP rs201368368, ClinGen allele CA3259087.

ClinVar aggregate classification (germline): Uncertain significance (1 of 4 stars; one submission).

Conditions:
Early-infantile DEE. Also called: Early infantile epileptic encephalopathy; Early infantile epileptic encephalopathy with suppression bursts; Ohtahara syndrome. Identifiers: Orphanet 1934, MedGen C0393706, MONDO:0800491.

gnomAD v4.1: 7 of 1,613,786 alleles (0.00043%); highest among the groups gnomAD compares: East Asian, 0.011%; no homozygotes.

Submission:

Labcorp Genetics (formerly Invitae), Labcorp
Classification: Uncertain significance for Early-infantile DEE. Last evaluated: 2023-04-20. Review status: criteria provided, single submitter. Criteria: Invitae Variant Classification Sherloc (09022015). Collection method: clinical testing. Allele origin: germline.
Comment: This sequence change replaces proline, which is neutral and non-polar, with leucine, which is neutral and non-polar, at codon 852 of the HCN1 protein (p.Pro852Leu). This variant is present in population databases (rs201368368, gnomAD 0.006%). This missense change has been observed in individual(s) with clinical features of HCN1-related conditions (PMID: 34712263). Advanced modeling of protein sequence and biophysical properties (such as structural, functional, and spatial information, amino acid conservation, physicochemical variation, residue mobility, and thermodynamic stability) performed at Invitae indicates that this missense variant is not expected to disrupt HCN1 protein function. In summary, the available evidence is currently insufficient to determine the role of this variant in disease. Therefore, it has been classified as a Variant of Uncertain Significance.

Literature cited by the submitters: PubMed 34712263.